The following is an entry in ClinVar:

NM_007294.4(BRCA1):c.2683_2686del (p.Gln895fs)

Gene: BRCA1 (BRCA1 DNA repair associated; minus strand). Cytogenetic location: 17q21.31.
Variant type: Deletion.
Coding change: c.2683_2686del on transcript NM_007294.4 (MANE Select); coding-DNA positions 2683 to 2686, 4 bases deleted (CAAA; older notation c.2683_2686delCAAA).
Protein change: p.Gln895fs; shifts the reading frame from glutamine 895.
Molecular consequence: frameshift variant. On other transcripts: intron variant (137).
Genome position (GRCh38, 1-based): chr17:43,092,845-43,092,848, TTTG deleted on the plus strand (CAAA on the coding strand, the reverse complement: BRCA1 is on the minus strand); deleting any 4 consecutive bases within chr17:43,092,845-43,092,851 gives the same sequence; the c. name uses the placement nearest the transcript's 3' end. VCF-style (leftmost placement, unchanged base first): chr17-43092844-CTTTG-C. GRCh37 (hg19) VCF-style: chr17-41244861-CTTTG-C.
Other names: 2800DELAACA; c.2683_2686delCAAA (NM_007294.3); c.2539_2542del, p.Gln847fs (NM_001407842.1, NM_001407843.1, NM_001407844.1 and 20 more transcripts); c.2542_2545del, p.Gln848fs (NM_001407850.1, NM_001407851.1, NM_001407852.1 and 29 more transcripts); c.2470_2473del, p.Gln824fs (NM_001407853.1, NM_001407894.1, NM_001407895.1 and 9 more transcripts); c.2683_2686del, p.Gln895fs (NM_001407854.1, NM_001407858.1, NM_001407859.1 and 30 more transcripts); c.2680_2683del, p.Gln894fs (NM_001407860.1, NM_001407861.1, NM_001407587.1 and 22 more transcripts); c.2482_2485del, p.Gln828fs (NM_001407862.1); and 43 more; short protein forms Q895fs, Q848fs, Q783fs, Q807fs, Q824fs, Q853fs, Q825fs, Q847fs.
Identifiers: ClinVar variation 54645 (VCV000054645.15), dbSNP rs397508998, ClinGen allele CA001763.
Genomic context (GRCh38, chr17:43,092,844, plus strand): 5'-TTAGACTCATTCTTTCCTTGATTTTCTTCCTTTTGTTCACATTCAAAAGTGACTTTTGGA[CTTTG>C]TTTCTTTAAGGACCCAGAGTGGGCAGAGAATGTTGCACATTCCTCTTCTGCATTTCCTGG-3'

ClinVar aggregate classification (germline): Pathogenic. Review status: reviewed by expert panel (3 of 4 stars). 3 submissions from 3 submitters: Pathogenic (1). 2 of the submissions do not count toward it. Last evaluated 2016-10-18.

Conditions:
Hereditary breast ovarian cancer syndrome. Also called: Hereditary breast and ovarian cancer syndrome (HBOC); Hereditary breast and ovarian cancer syndrome; Hereditary breast and ovarian cancer; Hereditary breast and/or ovarian cancer syndrome; Breast and ovarian cancer; BRCA1- and BRCA2-Associated Hereditary Breast and Ovarian Cancer. Identifiers: Orphanet 145, MedGen C0677776, MeSH D061325, MONDO:0003582. Disease mechanism: loss of function.
Breast-ovarian cancer, familial, susceptibility to, 1 (BROVCA1). Also called: OVARIAN CANCER, SUSCEPTIBILITY TO; BRCA1 Hereditary Breast and Ovarian Cancer. Identifiers: Orphanet 145, MedGen C2676676, MONDO:0011450, OMIM 604370. Disease mechanism: loss of function.

Submissions (3):

Evidence-based Network for the Interpretation of Germline Mutant Alleles (ENIGMA)
Classification: Pathogenic for Breast-ovarian cancer, familial, susceptibility to, 1. Last evaluated: 2016-10-18. Review status: reviewed by expert panel. Criteria: ENIGMA BRCA1/2 Classification Criteria (2015). Collection method: curation. Allele origin: germline.
Comment: Variant allele predicted to encode a truncated non-functional protein.

Labcorp Genetics (formerly Invitae), Labcorp
Classification: Pathogenic for Hereditary breast ovarian cancer syndrome. Last evaluated: 2019-07-08. Review status: criteria provided, single submitter. Criteria: Invitae Variant Classification Sherloc (09022015). Collection method: clinical testing. Allele origin: germline. Not counted in ClinVar's aggregate classification.
Comment: Loss-of-function variants in BRCA1 are known to be pathogenic (PMID: 20104584). This sequence change creates a premature translational stop signal (p.Gln895Valfs*104) in the BRCA1 gene. It is expected to result in an absent or disrupted protein product. This variant is not present in population databases (ExAC no frequency). This variant has been observed in a family affected with breast cancer (PMID: 16758124). This variant is also known as c.2802_2805delCAAA in the literature. ClinVar contains an entry for this variant (Variation ID: 54645). For these reasons, this variant has been classified as Pathogenic.

Consortium of Investigators of Modifiers of BRCA1/2 (CIMBA), c/o University of Cambridge
Classification: Pathogenic for Breast-ovarian cancer, familial, susceptibility to, 1. Last evaluated: 2015-10-02. Review status: criteria provided, single submitter. Criteria: CIMBA Mutation Classification guidelines May 2016. Collection method: clinical testing. Allele origin: germline. Not counted in ClinVar's aggregate classification.

Literature cited by the submitters: PubMed 20104584 (cited by Labcorp Genetics (formerly Invitae), Labcorp); PubMed 16758124 (cited by Labcorp Genetics (formerly Invitae), Labcorp).